The following is an entry in ClinVar:

NM_001378615.1(CC2D2A):c.4569T>A (p.Cys1523Ter)

Genes: CC2D2A (coiled-coil and C2 domain containing 2A; plus strand), FBXL5 (F-box and leucine rich repeat protein 5; minus strand). Cytogenetic location: 4p15.32.
Variant type: single nucleotide variant.
Coding change: c.4569T>A on transcript NM_001378615.1 (MANE Select); coding-DNA position 4569, T replaced by A.
Protein change: p.Cys1523Ter; replaces cysteine 1523 with a stop codon.
Molecular consequence: nonsense.
Genome position (GRCh38, 1-based): chr4:15,599,601, T>A. VCF-style: chr4-15599601-T-A. GRCh37 (hg19) VCF-style: chr4-15601224-T-A.
Other names: c.4569T>A, p.Cys1523Ter (NM_001080522.2); c.4422T>A, p.Cys1474Ter (NM_001378617.1); short protein forms C1474*, C1523*.
Identifiers: ClinVar variation 2016927 (VCV002016927.6), dbSNP rs1721486976, ClinGen allele CA356434011.

ClinVar aggregate classification (germline): Pathogenic/Likely pathogenic. Review status: criteria provided, multiple submitters, no conflicts (2 of 4 stars). 2 submissions from 2 submitters: Pathogenic (1); Likely pathogenic (1). Last evaluated 2025-03-13.

Conditions:
Joubert syndrome. Also called: JOUBERT-BOLTSHAUSER SYNDROME; Familial aplasia of the vermis. Identifiers: Orphanet 475, MedGen C5979921, MONDO:0018772.
Meckel-Gruber syndrome. Also called: DYSENCEPHALIA SPLANCHNOCYSTICA; GRUBER SYNDROME; Dysencephalia splachnocystica. Identifiers: Orphanet 564, MedGen C0265215, MONDO:0018921.

Submissions (2):

Dasa
Classification: Likely pathogenic. Last evaluated: 2025-03-13. Review status: criteria provided, single submitter. Criteria: DASA Assertion Criteria. Collection method: clinical testing. Allele origin: germline.
Comment: NM_001378615.1(CC2D2A):c.4569T>A (p.Cys1523*) is a nonsense variant in CC2D2A predicted to introduce a premature termination codon and is predicted to result in an absent or altered protein product. Loss of function is an established disease mechanism for CC2D2A-associated disorders. Also, this variant is absent from population databases. Based on the currently available evidence, this variant is classified as likely pathogenic.

Labcorp Genetics (formerly Invitae), Labcorp
Classification: Pathogenic for Joubert syndrome; Meckel-Gruber syndrome. Last evaluated: 2022-07-14. Review status: criteria provided, single submitter. Criteria: Invitae Variant Classification Sherloc (09022015). Collection method: clinical testing. Allele origin: germline.
Comment: For these reasons, this variant has been classified as Pathogenic. This variant has not been reported in the literature in individuals affected with CC2D2A-related conditions. This variant is not present in population databases (gnomAD no frequency). This sequence change creates a premature translational stop signal (p.Cys1523*) in the CC2D2A gene. It is expected to result in an absent or disrupted protein product. Loss-of-function variants in CC2D2A are known to be pathogenic (PMID: 19777577).

Literature cited by the submitters: PubMed 19777577 (cited by Labcorp Genetics (formerly Invitae), Labcorp).